The following is an entry in ClinVar:

ClinVar aggregate classification (germline): Uncertain significance (1 of 4 stars; one submission).

Conditions:
Emery-Dreifuss muscular dystrophy 4, autosomal dominant (EDMD4). Also called: EMERY-DREIFUSS MUSCULAR DYSTROPHY 4 WITH VARIABLE FEATURES. Identifiers: Orphanet 261, MedGen C2751807, MONDO:0013071, OMIM 612998.
Autosomal recessive ataxia, Beauce type. Also called: Spinocerebellar ataxia, autosomal recessive 8; ATAXIA, RECESSIVE, OF BEAUCE; SYNE1-Related Autosomal Recessive Cerebellar Ataxia; SYNE1 Deficiency. Identifiers: Orphanet 88644, MedGen C1853116, MONDO:0012549, OMIM 610743.

Allele frequency attached by ClinVar (database versions not stated): gnomAD exomes below 0.00001; gnomAD 0.00001.
gnomAD v4.1: 3 of 1,613,612 alleles (0.00019%); highest among the groups gnomAD compares: African/African-American, 0.0013%; no homozygotes.

Submission:

Labcorp Genetics (formerly Invitae), Labcorp
Classification: Uncertain significance for Emery-Dreifuss muscular dystrophy 4, autosomal dominant; Autosomal recessive ataxia, Beauce type. Last evaluated: 2025-04-30. Review status: criteria provided, single submitter. Criteria: Invitae Variant Classification Sherloc (09022015). Collection method: clinical testing. Allele origin: germline.
Comment: This sequence change replaces leucine, which is neutral and non-polar, with valine, which is neutral and non-polar, at codon 6854 of the SYNE1 protein (p.Leu6854Val). This variant is present in population databases (no rsID available, gnomAD 0.01%). This variant has not been reported in the literature in individuals affected with SYNE1-related conditions. ClinVar contains an entry for this variant (Variation ID: 2932435). An algorithm developed to predict the effect of missense changes on protein structure and function (PolyPhen-2) suggests that this variant is likely to be disruptive. In summary, the available evidence is currently insufficient to determine the role of this variant in disease. Therefore, it has been classified as a Variant of Uncertain Significance.

NM_182961.4(SYNE1):c.20773C>G (p.Leu6925Val)

Gene: SYNE1 (spectrin repeat containing nuclear envelope protein 1; minus strand). Cytogenetic location: 6q25.2.
Variant type: single nucleotide variant.
Coding change: c.20773C>G on transcript NM_182961.4 (MANE Select); coding-DNA position 20773, C replaced by G.
Protein change: p.Leu6925Val; replaces leucine 6925 with valine.
Molecular consequence: missense variant.
Genome position (GRCh38, 1-based): chr6:152,232,205, G>C on the plus strand (C>G on the coding strand, the complement: SYNE1 is on the minus strand). VCF-style: chr6-152232205-G-C. GRCh37 (hg19) VCF-style: chr6-152553340-G-C.
Other names: c.20560C>G, p.Leu6854Val (NM_033071.5); short protein forms L6925V, L6854V.
Identifiers: ClinVar variation 2932435 (VCV002932435.3), dbSNP rs1284947041, ClinGen allele CA366116085.